The following is an entry in ClinVar:

ClinVar aggregate classification (germline): Likely benign. Review status: criteria provided, single submitter (1 of 4 stars). 2 submissions from 2 submitters: Likely benign (1). 1 of the submissions does not count toward it. Last evaluated 2018-02-23.

Conditions:
PLXNA3-related disorder. Also called: PLXNA3-related condition.

Allele frequency attached by ClinVar (database versions not stated): TOPMed 0.00008; gnomAD 0.00010; gnomAD exomes 0.00010 and 0.00020; ExAC 0.00012.
gnomAD v4.1: 233 of 1,208,901 alleles (0.019%); highest among the groups gnomAD compares: Non-Finnish European, 0.025%; no homozygotes.

Submissions (2):

Labcorp Genetics (formerly Invitae), Labcorp
Classification: Likely benign. Last evaluated: 2018-02-23. Review status: criteria provided, single submitter. Criteria: Invitae Variant Classification Sherloc (09022015). Collection method: clinical testing. Allele origin: germline.

PreventionGenetics, part of Exact Sciences
Classification: Likely benign for PLXNA3-related condition. Last evaluated: 2023-07-25. Review status: no assertion criteria provided. Collection method: clinical testing. Allele origin: germline. Not counted in ClinVar's aggregate classification.
Comment: This variant is classified as likely benign based on ACMG/AMP sequence variant interpretation guidelines (Richards et al. 2015 PMID: 25741868, with internal and published modifications).

NM_017514.5(PLXNA3):c.1896C>T (p.Asp632=)

Gene: PLXNA3 (plexin A3; plus strand). Cytogenetic location: Xq28.
Variant type: single nucleotide variant.
Coding change: c.1896C>T on transcript NM_017514.5 (MANE Select); coding-DNA position 1896, C replaced by T.
Protein change: p.Asp632=; no amino-acid change (aspartic acid 632 retained).
Molecular consequence: synonymous variant.
Genome position (GRCh38, 1-based): chrX:154,464,469, C>T. VCF-style: chrX-154464469-C-T. GRCh37 (hg19) VCF-style: chrX-153692812-C-T.
Identifiers: ClinVar variation 734975 (VCV000734975.5), dbSNP rs782339269, ClinGen allele CA10564206.
Genomic context (GRCh38, chrX:154,464,469, plus strand): 5'-CCGCACTGTGCGGCTGCAGCTTCTCTCCAAGGAGACAGGCGTGAGGTTTGCCGGTGCTGA[C>T]TTTGTCTTCTACAACTGCAGCGTCCTCCAGTCGTGAGTACCTGGCCAGCACCCGTCCCTA-3'
Protein context (NP_059984.3, residues 622-642): KETGVRFAGA[Asp632=]FVFYNCSVLQ